The following is an entry in ClinVar:

ClinVar aggregate classification (germline): Likely pathogenic. Review status: criteria provided, single submitter (1 of 4 stars). 2 submissions from 2 submitters: Likely pathogenic (1). 1 of the submissions does not count toward it. Last evaluated 2023-03-02.

Conditions:
Retinal dystrophy. Also called: Inherited retinal dystrophy. Identifiers: Orphanet 71862, MedGen C0854723, MeSH D058499, MONDO:0019118, HP:0000556.
KCNV2-related disorder. Also called: KCNV2-related condition.

Submissions (2):

PreventionGenetics, part of Exact Sciences
Classification: Likely pathogenic for KCNV2-related condition. Last evaluated: 2023-03-02. Review status: criteria provided, single submitter. Criteria: ACMG Guidelines, 2015. Collection method: clinical testing. Allele origin: germline.
Comment: The KCNV2 c.562T>A variant is predicted to result in the amino acid substitution p.Trp188Arg. This variant has been reported in the homozygous or compound heterozygous state in multiple individuals with KCNV2-related retinal cone dystrophy (Table S2, Carss et al. 2017. PubMed ID: 28041643; Kiray et al. 2020. PubMed ID: 32154435; Table S2, Turro et al. 2020. PubMed ID: 32581362). This variant has not been reported in a large population database, indicating this variant is rare. Different nucleotide changes resulting in the same or different amino acid substitution have been reported to be causative for KCNV2-related retinal cone dystrophy (c.562T>C (p.Trp188Arg) in Table S5, Taylor et al. 2017. PubMed ID: 28341476; c.564G>C (p.Trp188Cys), Wu et al. 2006. PubMed ID: 16909397). Taken together, the c.562T>A (p.Trp188Arg) variant is interpreted as likely pathogenic.

NIHR Bioresource Rare Diseases, University of Cambridge
Classification: Likely pathogenic for Retinal dystrophy. Last evaluated: 2015-01-01. Review status: no assertion criteria provided. Collection method: research. Allele origin: unknown. Affected: yes. Observed: 1 variant allele. Not counted in ClinVar's aggregate classification.

Literature cited by the submitters: PubMed 28041643 (cited by NIHR Bioresource Rare Diseases, University of Cambridge).

NM_133497.4(KCNV2):c.562T>A (p.Trp188Arg)

Gene: KCNV2 (potassium voltage-gated channel modifier subfamily V member 2; plus strand). Cytogenetic location: 9p24.2.
Variant type: single nucleotide variant.
Coding change: c.562T>A on transcript NM_133497.4 (MANE Select); coding-DNA position 562, T replaced by A.
Protein change: p.Trp188Arg; replaces tryptophan 188 with arginine.
Molecular consequence: missense variant.
Genome position (GRCh38, 1-based): chr9:2,718,301, T>A. VCF-style: chr9-2718301-T-A. GRCh37 (hg19) VCF-style: chr9-2718301-T-A.
Other names: c.562T>A (NM_133497.3); short protein forms W188R.
Identifiers: ClinVar variation 438151 (VCV000438151.3), dbSNP rs977790637, ClinGen allele CA372798451.
Genomic context (GRCh38, chr9:2,718,301, plus strand): 5'-GGGGTGCTGCTGGTGCTCGACGGGCTGTGTCCGCGCCGCTTCCTGGAGGAGCTGGGCTAC[T>A]GGGGCGTGCGGCTCAAGTACACGCCACGCTGCTGCCGCATCTGCTTCGAGGAGCGGCGCG-3'
Protein context (NP_598004.1, residues 178-198): PRRFLEELGY[Trp188Arg]GVRLKYTPRC